The following is an entry in ClinVar:

ClinVar aggregate classification (germline): Uncertain significance. Review status: criteria provided, multiple submitters, no conflicts (2 of 4 stars). 2 submissions from 2 submitters: Uncertain significance (2). Last evaluated 2025-05-21.

Conditions:
Leukodystrophy, hypomyelinating, 8, with or without oligodontia and/or hypogonadotropic hypogonadism. Also called: LEUKODYSTROPHY, HYPOMYELINATING, 8, WITH HYPODONTIA AND HYPOGONADOTROPIC HYPOGONADISM; Hypomyelinating leukodystrophy 8 with or without oligodontia and-or hypogonadotropic hypogonadism; Endosteal sclerosis-cerebellar hypoplasia syndrome. Identifiers: Orphanet 85186, Orphanet 88637, MedGen C3280644, MONDO:0013722, OMIM 614381.

gnomAD v4.1: 4 of 1,610,602 alleles (0.00025%); highest among the groups gnomAD compares: East Asian, 0.0045%; no homozygotes.

Submissions (2):

Labcorp Genetics (formerly Invitae), Labcorp
Classification: Uncertain significance. Last evaluated: 2025-05-21. Review status: criteria provided, single submitter. Criteria: Invitae Variant Classification Sherloc (09022015). Collection method: clinical testing. Allele origin: germline.
Comment: This sequence change replaces arginine, which is basic and polar, with glutamine, which is neutral and polar, at codon 1025 of the POLR3B protein (p.Arg1025Gln). This variant is present in population databases (no rsID available, gnomAD 0.006%). This variant has not been reported in the literature in individuals affected with POLR3B-related conditions. ClinVar contains an entry for this variant (Variation ID: 3775841). Invitae Evidence Modeling of protein sequence and biophysical properties (such as structural, functional, and spatial information, amino acid conservation, physicochemical variation, residue mobility, and thermodynamic stability) indicates that this missense variant is not expected to disrupt POLR3B protein function with a negative predictive value of 80%. In summary, the available evidence is currently insufficient to determine the role of this variant in disease. Therefore, it has been classified as a Variant of Uncertain Significance.

3billion
Classification: Uncertain significance for Leukodystrophy, hypomyelinating, 8, with or without oligodontia and/or hypogonadotropic hypogonadism. Last evaluated: 2023-12-15. Review status: criteria provided, single submitter. Criteria: ACMG Guidelines, 2015. Collection method: clinical testing. Allele origin: germline. Affected: yes.
Comment: The variant is not observed in the gnomAD v2.1.1 dataset. Predicted Consequence/Location: Missense variant In silico tool predictions suggest damaging effect of the variant on gene or gene product [REVEL: 0.81 (>=0.6, sensitivity 0.68 and specificity 0.92)]. Therefore, this variant is classified as VUS according to the recommendation of ACMG/AMP guideline.

NM_018082.6(POLR3B):c.3074G>A (p.Arg1025Gln)

Genes: POLR3B (RNA polymerase III subunit B; plus strand), RFX4-AS1 (RFX4 antisense RNA 1; minus strand). Cytogenetic location: 12q23.3.
Variant type: single nucleotide variant.
Coding change: c.3074G>A on transcript NM_018082.6 (MANE Select); coding-DNA position 3074, G replaced by A.
Protein change: p.Arg1025Gln; replaces arginine 1025 with glutamine.
Molecular consequence: missense variant.
Genome position (GRCh38, 1-based): chr12:106,501,412, G>A. VCF-style: chr12-106501412-G-A. GRCh37 (hg19) VCF-style: chr12-106895190-G-A.
Other names: c.2900G>A, p.Arg967Gln (NM_001160708.2); short protein forms R1025Q, R967Q.
Identifiers: ClinVar variation 3775841 (VCV003775841.2).
Genomic context (GRCh38, chr12:106,501,412, plus strand): 5'-GCCCCGTGTACTATCAGAAGCTGAAACACATGGTGCTAGATAAAATGCATGCCCGGGCCC[G>A]GGGCCCACGAGCCGTCCTTACCAGGTAAGAGAAAAGTACTTACAAAAAGAATTGATAATG-3'
Protein context (NP_060552.4, residues 1015-1035): MVLDKMHARA[Arg1025Gln]GPRAVLTRQP